The following is an entry in ClinVar:

NM_003126.4(SPTA1):c.4676T>C (p.Ile1559Thr)

Gene: SPTA1 (spectrin alpha, erythrocytic 1; minus strand). Cytogenetic location: 1q23.1.
Variant type: single nucleotide variant.
Coding change: c.4676T>C on transcript NM_003126.4 (MANE Select); coding-DNA position 4676, T replaced by C.
Protein change: p.Ile1559Thr; replaces isoleucine 1559 with threonine.
Molecular consequence: missense variant.
Genome position (GRCh38, 1-based): chr1:158,642,472, A>G on the plus strand (T>C on the coding strand, the complement: SPTA1 is on the minus strand). VCF-style: chr1-158642472-A-G. GRCh37 (hg19) VCF-style: chr1-158612262-A-G.
Other names: short protein forms I1559T.
Identifiers: ClinVar variation 2900735 (VCV002900735.4), dbSNP rs201663225, ClinGen allele CA31267113.

ClinVar aggregate classification (germline): Uncertain significance. Review status: criteria provided, multiple submitters, no conflicts (2 of 4 stars). 2 submissions from 2 submitters: Uncertain significance (2). Last evaluated 2024-12-11.

Allele frequency attached by ClinVar (database versions not stated): TOPMed 0.00001; gnomAD exomes 0.00002.

Submissions (2):

Revvity Omics, Revvity
Classification: Uncertain significance. Last evaluated: 2024-12-11. Review status: criteria provided, single submitter. Criteria: ACMG Guidelines, 2015. Collection method: clinical testing. Allele origin: germline.

Labcorp Genetics (formerly Invitae), Labcorp
Classification: Uncertain significance. Last evaluated: 2022-12-18. Review status: criteria provided, single submitter. Criteria: Invitae Variant Classification Sherloc (09022015). Collection method: clinical testing. Allele origin: germline.
Comment: This variant is present in population databases (rs201663225, gnomAD 0.0009%). This sequence change replaces isoleucine, which is neutral and non-polar, with threonine, which is neutral and polar, at codon 1559 of the SPTA1 protein (p.Ile1559Thr). This variant has not been reported in the literature in individuals affected with SPTA1-related conditions. Advanced modeling of protein sequence and biophysical properties (such as structural, functional, and spatial information, amino acid conservation, physicochemical variation, residue mobility, and thermodynamic stability) performed at Invitae indicates that this missense variant is not expected to disrupt SPTA1 protein function. In summary, the available evidence is currently insufficient to determine the role of this variant in disease. Therefore, it has been classified as a Variant of Uncertain Significance.